The following is an entry in ClinVar:

ClinVar aggregate classification (germline): Uncertain significance. Review status: criteria provided, multiple submitters, no conflicts (2 of 4 stars). 5 submissions from 5 submitters: Uncertain significance (4). 1 of the submissions does not count toward it. Last evaluated 2025-12-16.

Conditions:
Hereditary cancer-predisposing syndrome. Also called: Neoplastic Syndromes, Hereditary; Hereditary Cancer Syndrome; Hereditary neoplastic syndrome; Tumor predisposition. Identifiers: Orphanet 140162, MedGen C0027672, MeSH D009386, MONDO:0015356.
Ataxia-telangiectasia syndrome (AT). Also called: ATAXIA-TELANGIECTASIA, COMPLEMENTATION GROUP A; ATAXIA-TELANGIECTASIA, FRESNO VARIANT; Ataxia-telangiectasia, complementation group E; Ataxia telangiectasia (A-T); LOUIS-BAR SYNDROME; Cerebello-oculocutaneous telangiectasia. Identifiers: Orphanet 100, MedGen C0004135, MONDO:0008840, OMIM 208900.

Allele frequency attached by ClinVar (database versions not stated): gnomAD 0.00001.
gnomAD v4.1: 1 of 1,613,624 alleles (0.000062%); highest among the groups gnomAD compares: Admixed American, 0.0017%; no homozygotes.

Submissions (5):

Color Diagnostics, LLC DBA Color Health
Classification: Uncertain significance for Hereditary cancer-predisposing syndrome. Last evaluated: 2025-12-16. Review status: criteria provided, single submitter. Criteria: ACMG Guidelines, 2015. Collection method: clinical testing. Allele origin: germline.
Comment: This missense variant replaces asparagine with threonine at codon 1595 of the ATM protein. Computational prediction suggests that this variant may not impact protein structure and function. To our knowledge, functional studies have not been reported for this variant. This variant has not been reported in individuals affected with ATM-related disorders in the literature. This variant has been identified in 1/1613624 chromosomes in the general population by the Genome Aggregation Database (gnomAD). The available evidence is insufficient to determine the role of this variant in disease conclusively. Therefore, this variant is classified as a Variant of Uncertain Significance.

Labcorp Genetics (formerly Invitae), Labcorp
Classification: Uncertain significance for Ataxia-telangiectasia syndrome. Last evaluated: 2025-12-09. Review status: criteria provided, single submitter. Criteria: Invitae Variant Classification Sherloc (09022015). Collection method: clinical testing. Allele origin: germline.
Comment: This sequence change replaces asparagine, which is neutral and polar, with threonine, which is neutral and polar, at codon 1595 of the ATM protein (p.Asn1595Thr). This variant is not present in population databases (gnomAD no frequency). This variant has not been reported in the literature in individuals affected with ATM-related conditions. ClinVar contains an entry for this variant (Variation ID: 825170). Invitae Evidence Modeling of protein sequence and biophysical properties (such as structural, functional, and spatial information, amino acid conservation, physicochemical variation, residue mobility, and thermodynamic stability) indicates that this missense variant is not expected to disrupt ATM protein function with a negative predictive value of 95%. In summary, the available evidence is currently insufficient to determine the role of this variant in disease. Therefore, it has been classified as a Variant of Uncertain Significance.

Quest Diagnostics Nichols Institute San Juan Capistrano
Classification: Uncertain significance. Last evaluated: 2025-01-22. Review status: criteria provided, single submitter. Criteria: Quest Diagnostics criteria. Collection method: clinical testing. Allele origin: unknown.

Ambry Genetics
Classification: Uncertain significance for Hereditary cancer-predisposing syndrome. Last evaluated: 2023-11-03. Review status: criteria provided, single submitter. Criteria: Ambry Variant Classification Scheme 2023. Collection method: clinical testing. Allele origin: germline.
Comment: The p.N1595T variant (also known as c.4784A>C), located in coding exon 31 of the ATM gene, results from an A to C substitution at nucleotide position 4784. The asparagine at codon 1595 is replaced by threonine, an amino acid with similar properties. This amino acid position is not well conserved in available vertebrate species. In addition, this alteration is predicted to be tolerated by in silico analysis. Since supporting evidence is limited at this time, the clinical significance of this alteration remains unclear.

Natera, Inc.
Classification: Uncertain significance for Ataxia-telangiectasia. Last evaluated: 2020-09-17. Review status: no assertion criteria provided. Collection method: clinical testing. Allele origin: germline. Not counted in ClinVar's aggregate classification.

NM_000051.4(ATM):c.4784A>C (p.Asn1595Thr)

Gene: ATM (ATM serine/threonine kinase; plus strand). Cytogenetic location: 11q22.3.
Variant type: single nucleotide variant.
Coding change: c.4784A>C on transcript NM_000051.4 (MANE Select); coding-DNA position 4784, A replaced by C.
Protein change: p.Asn1595Thr; replaces asparagine 1595 with threonine.
Molecular consequence: missense variant.
Genome position (GRCh38, 1-based): chr11:108,294,934, A>C. VCF-style: chr11-108294934-A-C. GRCh37 (hg19) VCF-style: chr11-108165661-A-C.
Other names: c.4784A>C, p.Asn1595Thr (NM_001351834.2); short protein forms N1595T.
Identifiers: ClinVar variation 825170 (VCV000825170.21), dbSNP rs777812804, ClinGen allele CA382536170.